The following is an entry in ClinVar:

ClinVar aggregate classification (germline): Uncertain significance (1 of 4 stars; one submission).

Conditions:
Periodic fever-infantile enterocolitis-autoinflammatory syndrome. Also called: Autoinflammation with infantile enterocolitis. Identifiers: Orphanet 436166, MedGen C4015067, MONDO:0014472, OMIM 616050.
Familial cold autoinflammatory syndrome 4 (FCAS4). Identifiers: Orphanet 47045, Orphanet 576349, MedGen C4015276, MONDO:0014498, OMIM 616115.

Submission:

Labcorp Genetics (formerly Invitae), Labcorp
Classification: Uncertain significance for Periodic fever-infantile enterocolitis-autoinflammatory syndrome; Familial cold autoinflammatory syndrome 4. Last evaluated: 2026-01-12. Review status: criteria provided, single submitter. Criteria: Invitae Variant Classification Sherloc (09022015). Collection method: clinical testing. Allele origin: germline.
Comment: This sequence change replaces isoleucine, which is neutral and non-polar, with asparagine, which is neutral and polar, at codon 343 of the NLRC4 protein (p.Ile343Asn). This variant is not present in population databases (gnomAD no frequency). This missense change has been observed in individual(s) with clinical features of NLRC4-related condition (PMID: 37178069). Invitae Evidence Modeling of protein sequence and biophysical properties (such as structural, functional, and spatial information, amino acid conservation, physicochemical variation, residue mobility, and thermodynamic stability) indicates that this missense variant is expected to disrupt NLRC4 protein function with a positive predictive value of 80%. In summary, the available evidence is currently insufficient to determine the role of this variant in disease. Therefore, it has been classified as a Variant of Uncertain Significance.

Literature cited by the submitters: PubMed 37178069.

NM_001199138.2(NLRC4):c.1028T>A (p.Ile343Asn)

Gene: NLRC4 (NLR family CARD domain containing 4; minus strand). Cytogenetic location: 2p22.3.
Variant type: single nucleotide variant.
Coding change: c.1028T>A on transcript NM_001199138.2 (MANE Select); coding-DNA position 1028, T replaced by A.
Protein change: p.Ile343Asn; replaces isoleucine 343 with asparagine.
Molecular consequence: missense variant. On other transcripts: intron variant (1).
Genome position (GRCh38, 1-based): chr2:32,250,836, A>T on the plus strand (T>A on the coding strand, the complement: NLRC4 is on the minus strand). VCF-style: chr2-32250836-A-T. GRCh37 (hg19) VCF-style: chr2-32475905-A-T.
Other names: c.1028T>A, p.Ile343Asn (NM_001199139.2, NM_021209.5); c.262+1583T>A (NM_001302504.1); short protein forms I343N.
Identifiers: ClinVar variation 4782636 (VCV004782636.1).